The following is an entry in ClinVar:

ClinVar aggregate classification (germline): Uncertain significance. Review status: criteria provided, multiple submitters, no conflicts (2 of 4 stars). 2 submissions from 2 submitters: Uncertain significance (2). Last evaluated 2023-06-22.

Conditions:
Spondyloepimetaphyseal dysplasia, PAPSS2 type. Also called: SEMD, PAKISTANI TYPE; BRACHYOLMIA TYPE 4 WITH MILD EPIPHYSEAL AND METAPHYSEAL CHANGES; SPONDYLODYSPLASIA AND PREMATURE PUBARCHE. Identifiers: Orphanet 93282, MedGen C2748516, MONDO:0019666, OMIM 612847.
Inborn genetic diseases. Identifiers: MedGen C0950123, MeSH D030342.

Allele frequency attached by ClinVar (database versions not stated): gnomAD 0.00004; TOPMed 0.00006; gnomAD exomes 0.00007; ESP Exome Variant Server 0.00008; ExAC 0.00014.
gnomAD v4.1: 121 of 1,612,916 alleles (0.0075%); highest among the groups gnomAD compares: East Asian, 0.08%; no homozygotes.

Submissions (2):

Ambry Genetics
Classification: Uncertain significance for Inborn genetic diseases. Last evaluated: 2023-06-22. Review status: criteria provided, single submitter. Criteria: Ambry Variant Classification Scheme 2023. Collection method: clinical testing. Allele origin: germline.

Labcorp Genetics (formerly Invitae), Labcorp
Classification: Uncertain significance for Spondyloepimetaphyseal dysplasia, PAPSS2 type. Last evaluated: 2022-03-27. Review status: criteria provided, single submitter. Criteria: Invitae Variant Classification Sherloc (09022015). Collection method: clinical testing. Allele origin: germline.
Comment: In summary, the available evidence is currently insufficient to determine the role of this variant in disease. Therefore, it has been classified as a Variant of Uncertain Significance. Algorithms developed to predict the effect of missense changes on protein structure and function (SIFT, PolyPhen-2, Align-GVGD) all suggest that this variant is likely to be tolerated. This variant has not been reported in the literature in individuals affected with PAPSS2-related conditions. This variant is present in population databases (rs373053696, gnomAD 0.06%). This sequence change replaces lysine, which is basic and polar, with glutamic acid, which is acidic and polar, at codon 403 of the PAPSS2 protein (p.Lys403Glu).

NM_001015880.2(PAPSS2):c.1207A>G (p.Lys403Glu)

Gene: PAPSS2 (3'-phosphoadenosine 5'-phosphosulfate synthase 2; plus strand). Cytogenetic location: 10q23.31.
Variant type: single nucleotide variant.
Coding change: c.1207A>G on transcript NM_001015880.2 (MANE Select); coding-DNA position 1207, A replaced by G.
Protein change: p.Lys403Glu; replaces lysine 403 with glutamic acid.
Molecular consequence: missense variant.
Genome position (GRCh38, 1-based): chr10:87,741,355, A>G. VCF-style: chr10-87741355-A-G. GRCh37 (hg19) VCF-style: chr10-89501112-A-G.
Other names: c.1192A>G, p.Lys398Glu (NM_004670.4); c.1192A>G (NM_004670.3); short protein forms K403E, K398E.
Identifiers: ClinVar variation 2148465 (VCV002148465.4), dbSNP rs373053696, ClinGen allele CA5589681.
Genomic context (GRCh38, chr10:87,741,355, plus strand): 5'-AGATGGAATGATGGGCTGGACCAATACCGTCTGACACCTCTGGAGCTCAAACAGAAATGT[A>G]AAGAAATGAATGCTGGTATGTAAACTGTTCTTAGTGCATTTTATTTATTTATTTATTGAG-3'
Protein context (NP_001015880.1, residues 393-413): LTPLELKQKC[Lys403Glu]EMNADAVFAF